The following is an entry in ClinVar:

NM_001165963.4(SCN1A):c.1028+2T>C

Gene: SCN1A (sodium voltage-gated channel alpha subunit 1; minus strand). Cytogenetic location: 2q24.3.
Variant type: single nucleotide variant.
Coding change: c.1028+2T>C on transcript NM_001165963.4 (MANE Select); the canonical splice donor site of the intron after coding-DNA position 1028, T replaced by C.
Molecular consequence: splice donor variant.
Genome position (GRCh38, 1-based): chr2:166,048,884, A>G on the plus strand (T>C on the coding strand, the complement: SCN1A is on the minus strand). VCF-style: chr2-166048884-A-G. GRCh37 (hg19) VCF-style: chr2-166905394-A-G.
Other names: c.1028+2T>C (NM_001353949.2, NM_001353958.2, NM_001353950.2 and 10 more transcripts); c.-1398+2T>C (NM_001353961.2).
Identifiers: ClinVar variation 932130 (VCV000932130.11), dbSNP rs1698170849, ClinGen allele CA349071531.

ClinVar aggregate classification (germline): Pathogenic. Review status: criteria provided, multiple submitters, no conflicts (2 of 4 stars). 2 submissions from 2 submitters: Pathogenic (2). Last evaluated 2022-08-23.

Conditions:
Early-infantile DEE. Also called: Early infantile epileptic encephalopathy; Ohtahara syndrome; Early infantile epileptic encephalopathy with suppression bursts. Identifiers: Orphanet 1934, MedGen C0393706, MONDO:0800491.
Migraine, familial hemiplegic, 3. Identifiers: Orphanet 569, MedGen C1864987, MONDO:0012320, OMIM 609634.

Submissions (2):

Labcorp Genetics (formerly Invitae), Labcorp
Classification: Pathogenic for Early-infantile DEE. Last evaluated: 2022-08-23. Review status: criteria provided, single submitter. Criteria: Invitae Variant Classification Sherloc (09022015). Collection method: clinical testing. Allele origin: germline.
Comment: For these reasons, this variant has been classified as Pathogenic. Algorithms developed to predict the effect of sequence changes on RNA splicing suggest that this variant may disrupt the consensus splice site. ClinVar contains an entry for this variant (Variation ID: 932130). Disruption of this splice site has been observed in individual(s) with Dravet syndrome (PMID: 17347258). In at least one individual the variant was observed to be de novo. This variant is not present in population databases (gnomAD no frequency). This sequence change affects a donor splice site in intron 7 of the SCN1A gene. It is expected to disrupt RNA splicing. Variants that disrupt the donor or acceptor splice site typically lead to a loss of protein function (PMID: 16199547), and loss-of-function variants in SCN1A are known to be pathogenic (PMID: 17347258, 18930999).

Centre for Mendelian Genomics, University Medical Centre Ljubljana
Classification: Pathogenic for Migraine, familial hemiplegic, 3. Last evaluated: 2019-05-06. Review status: criteria provided, single submitter. Criteria: ACMG Guidelines, 2015. Collection method: clinical testing. Allele origin: unknown. Affected: yes.
Comment: This variant was classified as: Pathogenic. The following ACMG criteria were applied in classifying this variant: PVS1,PM2,PP4.

Literature cited by the submitters: PubMed 17347258 (cited by Labcorp Genetics (formerly Invitae), Labcorp); PubMed 16199547 (cited by Labcorp Genetics (formerly Invitae), Labcorp); PubMed 18930999 (cited by Labcorp Genetics (formerly Invitae), Labcorp).